The following is an entry in ClinVar:

ClinVar aggregate classification (germline): Pathogenic. Review status: reviewed by expert panel (3 of 4 stars). 4 submissions from 4 submitters: Pathogenic (1). 3 of the submissions do not count toward it. Last evaluated 2022-02-12.

Conditions:
Overgrowth syndrome and/or cerebral malformations due to abnormalities in MTOR pathway genes. Identifiers: MedGen CN300503, MONDO:0100283.
Isolated focal cortical dysplasia type II (FCORD2). Also called: CORTICAL DYSPLASIA OF TAYLOR; Focal cortical dysplasia type II. Identifiers: Orphanet 268994, MedGen C1846385, MONDO:0011818, OMIM 607341, HP:0032051.
CEBALID syndrome (CEBALID). Also called: MN1 C-TERMINAL TRUNCATION SYNDROME; CRANIOFACIAL DEFECTS, DYSMORPHIC EARS, STRUCTURAL BRAIN ABNORMALITIES, EXPRESSIVE LANGUAGE DELAY, AND IMPAIRED INTELLECTUAL DEVELOPMENT. Identifiers: Orphanet 693549, MedGen C5394044, MONDO:0032908, OMIM 618774.

Submissions (4):

ClinGen Brain Malformations Variant Curation Expert Panel
Classification: Pathogenic for Overgrowth syndrome and/or cerebral malformations due to abnormalities in MTOR pathway genes. Last evaluated: 2022-02-12. Review status: reviewed by expert panel. Criteria: ClinGen BrainMalform ACMG Specifications v1. Collection method: curation. Allele origin: germline. Inheritance: Autosomal dominant inheritance.
Comment: The c.7280T>C (NM_004958.4) variant in MTOR is a missense variant predicted to cause substitution of (p.Leu2427Pro). The prevalence of the variant in affected individuals is significantly increased compared with the prevalence in controls (PS4_M; PMIDs: 25799227, 25159823; identified in 2 individuals with neuropathology confirmatory of a malformation of cortical development, 1 tumor sample in the literature and COSMIC). An animal model generated with this variant shows a seizure phenotype which responded to treatment with rapamycin indicating that this variant impacts protein function (PMID: 29937275) (PS3_Strong). Testing of unaffected and affected tissue show variable allelic fractions consistent with a post-zygotic event (PS2_Moderate; PMID: 25799227). This variant is absent from gnomAD v2.1.1 (PM2_Supporting). MTOR, in which the variant was identified, is defined by the ClinGen Brain Malformations Expert Panel as a gene that has a low rate of benign missense variation and where pathogenic missense variants are a common mechanism of disease (PP2). In summary, this variant meets the criteria to be classified as Pathogenic for mosaic autosomal dominant overgrowth with or without cerebral malformations due to abnormalities in MTOR-pathway genes based on the ACMG/AMP criteria applied, as specified by the ClinGen Brain Malformations Expert Panel: PS4_M, PS3, PS2_M, PM2_P, PP2; 10 points (VCEP specifications version 1; Approved: 1/31/2021)

Equipe Genetique des Anomalies du Developpement, Université de Bourgogne
Classification: Pathogenic for MTOR-related hypomelanosis of Ito with neurodevelopmental abnormalities. Last evaluated: 2020-09-01. Review status: criteria provided, single submitter. Criteria: Lim JS et al, 2015. Collection method: clinical testing. Allele origin: somatic. Affected: yes. Not counted in ClinVar's aggregate classification.

Human Genome Lab, NIMHANS, National Institute of Mental Health and Neuro Sciences
Classification: Pathogenic for Isolated focal cortical dysplasia type II. Review status: criteria provided, single submitter. Criteria: ACMG Guidelines, 2015. Collection method: research. Allele origin: somatic. Affected: yes. Observed: 1 variant allele. Not counted in ClinVar's aggregate classification.
Comment: The missense variant NM_004958.4(MTOR):c.7280T>C (p.Leu2427Pro) causes the same amino acid change as a previously established pathogenic variant. The p.Leu2427Pro variant is novel (not in any individuals) in 1kG All. The p.Leu2427Pro variant is novel (not in any individuals) in gnomAD (gnomAD v.4.0.0). There is a moderate physicochemical difference between leucine and proline. The gene MTOR has a low rate of benign missense variation as indicated by a high missense variants Z-Score of 9.49. The gene MTOR contains 52 pathogenic missense variants, indicating that missense variants are a common mechanism of disease in this gene. 3 variants within 6 amino acid positions of the variant p.Leu2427Pro have been shown to be pathogenic, while none have been shown to be benign. The p.Leu2427Pro missense variant is predicted to be damaging by both SIFT and PolyPhen2. The leucine residue at codon 2427 of MTOR is conserved in all mammalian species. The nucleotide c.7280 in MTOR is predicted conserved by GERP++ and PhyloP across 100 vertebrates. For these reasons, this variant has been classified as Pathogenic.The variant was validated by amplicon sequencing (>10,000x) and also by orthogonal pipelines such as Strelka2 and VarScan2. For these reasons, this variant has been classified as Pathogenic. (ACMG criteria - PM2 PM1 PP2 PP3 PS1 PM5 PP4)

OMIM
Classification: Pathogenic for FOCAL CORTICAL DYSPLASIA, TYPE II, SOMATIC. Last evaluated: 2017-04-11. Review status: no assertion criteria provided. Collection method: literature only. Allele origin: somatic. Not counted in ClinVar's aggregate classification.

Literature cited by the submitters: PubMed 25799227 (cited by OMIM).

NM_004958.4(MTOR):c.7280T>C (p.Leu2427Pro)

Gene: MTOR (mechanistic target of rapamycin kinase; minus strand). Cytogenetic location: 1p36.22.
Variant type: single nucleotide variant.
Coding change: c.7280T>C on transcript NM_004958.4 (MANE Select); coding-DNA position 7280, T replaced by C.
Protein change: p.Leu2427Pro; replaces leucine 2427 with proline.
Molecular consequence: missense variant.
Genome position (GRCh38, 1-based): chr1:11,114,338, A>G on the plus strand (T>C on the coding strand, the complement: MTOR is on the minus strand). VCF-style: chr1-11114338-A-G. GRCh37 (hg19) VCF-style: chr1-11174395-A-G.
Other names: NM_004958.4(MTOR):c.7280T>C; p.Leu2427Pro; c.7280T>C (LRG_734t1); short protein forms L2427P.
Identifiers: ClinVar variation 417723 (VCV000417723.7), dbSNP rs1085307113, ClinGen allele CA338380762.